The following is an entry in ClinVar:

NM_001272046.2(VWA2):c.1933G>A (p.Ala645Thr)

Genes: VWA2 (von Willebrand factor A domain containing 2; plus strand), AFAP1L2 (actin filament associated protein 1 like 2; minus strand). Cytogenetic location: 10q25.3.
Variant type: single nucleotide variant.
Coding change: c.1933G>A on transcript NM_001272046.2 (MANE Select); coding-DNA position 1933, G replaced by A.
Protein change: p.Ala645Thr; replaces alanine 645 with threonine.
Molecular consequence: missense variant.
Genome position (GRCh38, 1-based): chr10:114,289,300, G>A. VCF-style: chr10-114289300-G-A. GRCh37 (hg19) VCF-style: chr10-116049059-G-A.
Other names: c.1933G>A, p.Ala645Thr (NM_001320804.1); short protein forms A645T.
Identifiers: ClinVar variation 716934 (VCV000716934.6), dbSNP rs144705004, ClinGen allele CA5700825.

ClinVar aggregate classification (germline): Likely benign. Review status: criteria provided, multiple submitters, no conflicts (2 of 4 stars). 3 submissions from 3 submitters: Likely benign (2). 1 of the submissions does not count toward it. Last evaluated 2018-05-24.

Conditions:
VWA2-related disorder. Also called: VWA2-related condition.

Allele frequency attached by ClinVar (database versions not stated): gnomAD exomes 0.00028 and 0.00079; ExAC 0.00091; ESP Exome Variant Server 0.00246; 1000 Genomes Project 30x 0.00265; 1000 Genomes Project 0.00280; gnomAD 0.00280 and 0.00297; TOPMed 0.00328.
gnomAD v4.1: 869 of 1,613,980 alleles (0.054%); highest among the groups gnomAD compares: African/African-American, 0.89%; 3 homozygotes.

Submissions (3):

Labcorp Genetics (formerly Invitae), Labcorp
Classification: Likely benign. Last evaluated: 2018-05-24. Review status: criteria provided, single submitter. Criteria: Invitae Variant Classification Sherloc (09022015). Collection method: clinical testing. Allele origin: germline.

Breakthrough Genomics
Classification: Likely benign. Review status: criteria provided, single submitter. Criteria: ACMG Guidelines, 2015. Collection method: not provided. Allele origin: germline. Inheritance: Unknown mechanism. Affected: yes.

PreventionGenetics, part of Exact Sciences
Classification: Benign for VWA2-related condition. Last evaluated: 2019-12-26. Review status: no assertion criteria provided. Collection method: clinical testing. Allele origin: germline. Not counted in ClinVar's aggregate classification.
Comment: This variant is classified as benign based on ACMG/AMP sequence variant interpretation guidelines (Richards et al. 2015 PMID: 25741868, with internal and published modifications).